The following is an entry in ClinVar:

NM_000059.4(BRCA2):c.638_646dup (p.Glu215_Ala216insAspGluGlu)

Gene: BRCA2 (BRCA2 DNA repair associated; plus strand). Cytogenetic location: 13q13.1.
Variant type: Duplication.
Coding change: c.638_646dup on transcript NM_000059.4 (MANE Select); coding-DNA positions 638 to 646, 9 bases duplicated (ATGAAGAAG; older notation c.638_646dupATGAAGAAG).
Protein change: p.Glu215_Ala216insAspGluGlu.
Molecular consequence: inframe insertion.
Genome position (GRCh38, 1-based): chr13:32,329,449-32,329,457, ATGAAGAAG duplicated. VCF-style (leftmost placement, unchanged base first): chr13-32329448-A-AATGAAGAAG. GRCh37 (hg19) VCF-style: chr13-32903585-A-AATGAAGAAG.
Other names: c.638_646dupATGAAGAAG (NM_000059.3).
Identifiers: ClinVar variation 236891 (VCV000236891.7), dbSNP rs878853596, ClinGen allele CA10583069.

ClinVar aggregate classification (germline): Uncertain significance (1 of 4 stars; one submission).

Conditions:
Hereditary breast ovarian cancer syndrome. Also called: BRCA1- and BRCA2-Associated Hereditary Breast and Ovarian Cancer; Hereditary breast and ovarian cancer syndrome; Hereditary breast and ovarian cancer; Hereditary breast and ovarian cancer syndrome (HBOC); Breast and ovarian cancer; Hereditary breast and/or ovarian cancer syndrome. Identifiers: Orphanet 145, MedGen C0677776, MeSH D061325, MONDO:0003582. Disease mechanism: loss of function.

Allele frequency attached by ClinVar (database versions not stated): gnomAD exomes below 0.00001.

Submission:

Labcorp Genetics (formerly Invitae), Labcorp
Classification: Uncertain significance for Hereditary breast ovarian cancer syndrome. Last evaluated: 2015-12-07. Review status: criteria provided, single submitter. Criteria: Invitae Variant Classification Sherloc (09022015). Collection method: clinical testing. Allele origin: germline.
Comment: This sequence change inserts 9 nucleotides in exon 8 of the BRCA2 mRNA (c.638_646dupATGAAGAAG). This leads to the insertion of 3 amino acid residues in the BRCA2 protein (p.Glu215_Ala216insAspGluGlu) but otherwise preserves the integrity of the reading frame. This variant is not present in population databases (ExAC no frequency) and has not been reported in the literature. In summary, this is a novel in-frame duplication with uncertain impact on protein function. It has been classified as a Variant of Uncertain Significance.